The following is an entry in ClinVar:

ClinVar aggregate classification (germline): Uncertain significance (1 of 4 stars; one submission).

Conditions:
Peutz-Jeghers syndrome (PJS). Also called: Peutz-Jeghers polyposis; Periorificial lentiginosis syndrome; POLYPOSIS, HAMARTOMATOUS INTESTINAL; POLYPS-AND-SPOTS SYNDROME. Identifiers: Orphanet 2869, MedGen C0031269, MeSH D010580, MONDO:0008280, OMIM 175200.

Submission:

Labcorp Genetics (formerly Invitae), Labcorp
Classification: Uncertain significance for Peutz-Jeghers syndrome. Last evaluated: 2021-11-12. Review status: criteria provided, single submitter. Criteria: Invitae Variant Classification Sherloc (09022015). Collection method: clinical testing. Allele origin: germline.
Comment: In summary, the available evidence is currently insufficient to determine the role of this variant in disease. Therefore, it has been classified as a Variant of Uncertain Significance. Advanced modeling of experimental studies (such as gene expression, population dynamics, functional pathways, and cell-cycle effects in cell culture) performed at Invitae indicates that this missense variant is not expected to disrupt STK11 protein function. This variant has not been reported in the literature in individuals affected with STK11-related conditions. This variant is not present in population databases (gnomAD no frequency). This sequence change replaces glutamine, which is neutral and polar, with histidine, which is basic and polar, at codon 159 of the STK11 protein (p.Gln159His).

NM_000455.5(STK11):c.477G>C (p.Gln159His)

Gene: STK11 (serine/threonine kinase 11; plus strand). Cytogenetic location: 19p13.3.
Variant type: single nucleotide variant.
Coding change: c.477G>C on transcript NM_000455.5 (MANE Select); coding-DNA position 477, G replaced by C.
Protein change: p.Gln159His; replaces glutamine 159 with histidine.
Molecular consequence: missense variant.
Genome position (GRCh38, 1-based): chr19:1,220,385, G>C. VCF-style: chr19-1220385-G-C. GRCh37 (hg19) VCF-style: chr19-1220384-G-C.
Other names: short protein forms Q159H.
Identifiers: ClinVar variation 1392824 (VCV001392824.6), dbSNP rs897087953, ClinGen allele CA304025868.